The following is an entry in ClinVar:

NM_001142864.4(PIEZO1):c.2247GGA[7] (p.Glu756del)

Genes: HSALR1 (HSP90AB1 associated lncRNA 1; plus strand), PIEZO1 (piezo type mechanosensitive ion channel component 1 (Er blood group); minus strand). Cytogenetic location: 16q24.3.
Variant type: Microsatellite.
Coding change: c.2247GGA[7] on transcript NM_001142864.4 (MANE Select); seven copies in a row of the 3-base unit GGA starting at c.2247; the reference has eight copies in a row; one copy, 3 bases deleted; also written c.2268_2270del.
Protein change: p.Glu756del; deletes glutamic acid 756.
Molecular consequence: inframe deletion.
Genome position (GRCh38, 1-based): chr16:88,733,965-88,733,967, TCC deleted on the plus strand (GGA on the coding strand, the reverse complement: PIEZO1 is on the minus strand); deleting any 3 consecutive bases within chr16:88,733,965-88,733,989 gives the same sequence; the position shown is the placement nearest the transcript's 3' end. VCF-style (leftmost placement, unchanged base first): chr16-88733964-GTCC-G. GRCh37 (hg19) VCF-style: chr16-88800372-GTCC-G.
Other names: E756DEL; c.2268_2270delGGA (NM_001142864.2); c.2268_2270del (NM_001142864.4); short protein forms E756del.
Identifiers: ClinVar variation 440061 (VCV000440061.38), dbSNP rs59446030, ClinGen allele CA8232819.

ClinVar aggregate classification (germline): Conflicting classifications of pathogenicity. Review status: criteria provided, conflicting classifications (1 of 4 stars). 9 submissions from 9 submitters: Uncertain significance (1); Benign (4). 4 of the submissions do not count toward it. Last evaluated 2026-01-27.

Conditions:
Dehydrated hereditary stomatocytosis with or without pseudohyperkalemia and/or perinatal edema (DHS1). Also called: Dehydrated hereditary stomatocytosis 1 with or without pseudohyperkalemia and/or perinatal edema; PSEUDOHYPERKALEMIA EDINBURGH; DEHYDRATED HEREDITARY STOMATOCYTOSIS AND PSEUDOHYPERKALEMIA; DEHYDRATED HEREDITARY STOMATOCYTOSIS WITH PSEUDOHYPERKALEMIA AND PERINATAL EDEMA; Pseudohyperkalemia, familial, 1, due to red cell leak. Identifiers: Orphanet 3202, MedGen C4551512, MONDO:0008689, OMIM 194380.
Lymphatic malformation 6 (LMPHM6). Also called: GENERALIZED LYMPHATIC DYSPLASIA OF FOTIOU; PIEZO1-related generalized lymphatic dysplasia with non-immune hydrops fetalis; Lymphedema, hereditary, III. Identifiers: Orphanet 568062, MedGen C4225184, MONDO:0014797, OMIM 616843.

Submissions (9):

Labcorp Genetics (formerly Invitae), Labcorp
Classification: Benign. Last evaluated: 2026-01-27. Review status: criteria provided, single submitter. Criteria: Invitae Variant Classification Sherloc (09022015). Collection method: clinical testing. Allele origin: germline.

Mayo Clinic Laboratories, Mayo Clinic
Classification: Uncertain significance. Last evaluated: 2025-11-24. Review status: criteria provided, single submitter. Criteria: ACMG Guidelines, 2015. Collection method: clinical testing. Allele origin: germline. Observed: 135 variant alleles.

ARUP Laboratories, Molecular Genetics and Genomics, ARUP Laboratories
Classification: Benign. Last evaluated: 2025-06-19. Review status: criteria provided, single submitter. Criteria: ARUP Molecular Germline Variant Investigation Process 2024. Collection method: clinical testing. Allele origin: germline.

Department of Pathology and Laboratory Medicine, Sinai Health System
Classification: Benign for Dehydrated hereditary stomatocytosis with or without pseudohyperkalemia and/or perinatal edema; Lymphatic malformation 6. Last evaluated: 2023-04-03. Review status: criteria provided, single submitter. Criteria: ACMG Guidelines, 2015. Collection method: research. Allele origin: germline.

GeneDx
Classification: Benign. Last evaluated: 2019-10-06. Review status: criteria provided, single submitter. Criteria: GeneDx Variant Classification Process June 2021. Collection method: clinical testing. Allele origin: germline. Affected: yes.
Comment: This variant is associated with the following publications: (PMID: 32265284, 30237267, 30105803, 29576450)

OMIM
Classification: Pathogenic for DEHYDRATED HEREDITARY STOMATOCYTOSIS. Last evaluated: 2019-10-21. Review status: no assertion criteria provided. Collection method: literature only. Allele origin: germline. Not counted in ClinVar's aggregate classification.

Clinical Genetics DNA and cytogenetics Diagnostics Lab, Erasmus MC, Erasmus Medical Center
Classification: Benign. Review status: no assertion criteria provided. Collection method: clinical testing. Allele origin: germline. Affected: yes. Study: VKGL Data-share Consensus. Not counted in ClinVar's aggregate classification.

Clinical Genetics, Academic Medical Center
Classification: Benign. Review status: no assertion criteria provided. Collection method: clinical testing. Allele origin: germline. Affected: yes. Study: VKGL Data-share Consensus. Not counted in ClinVar's aggregate classification.

Laboratory of Diagnostic Genome Analysis, Leiden University Medical Center (LUMC)
Classification: Benign. Review status: no assertion criteria provided. Collection method: clinical testing. Allele origin: germline. Affected: yes. Study: VKGL Data-share Consensus. Not counted in ClinVar's aggregate classification.

Literature cited by the submitters: PubMed 30237267 (cited by Mayo Clinic Laboratories, Mayo Clinic); PubMed 33571427 (cited by Mayo Clinic Laboratories, Mayo Clinic); PubMed 29576450 (cited by OMIM).